The following is an entry in ClinVar:

NM_004655.4(AXIN2):c.2438C>T (p.Ala813Val)

Gene: AXIN2 (axin 2; minus strand). Cytogenetic location: 17q24.1.
Variant type: single nucleotide variant.
Coding change: c.2438C>T on transcript NM_004655.4 (MANE Select); coding-DNA position 2438, C replaced by T.
Protein change: p.Ala813Val; replaces alanine 813 with valine.
Molecular consequence: missense variant.
Genome position (GRCh38, 1-based): chr17:65,530,070, G>A on the plus strand (C>T on the coding strand, the complement: AXIN2 is on the minus strand). VCF-style: chr17-65530070-G-A. GRCh37 (hg19) VCF-style: chr17-63526188-G-A.
Other names: c.2243C>T, p.Ala748Val (NM_001363813.1); short protein forms A748V, A813V.
Identifiers: ClinVar variation 3224402 (VCV003224402.2), dbSNP rs2144391722, ClinGen allele CA400674911.

ClinVar aggregate classification (germline): Uncertain significance. Review status: criteria provided, multiple submitters, no conflicts (2 of 4 stars). 2 submissions from 2 submitters: Uncertain significance (2). Last evaluated 2025-06-19.

Conditions:
Hereditary cancer-predisposing syndrome. Also called: Tumor predisposition; Hereditary neoplastic syndrome; Hereditary Cancer Syndrome; Neoplastic Syndromes, Hereditary. Identifiers: Orphanet 140162, MedGen C0027672, MeSH D009386, MONDO:0015356.

Submissions (2):

Quest Diagnostics Nichols Institute San Juan Capistrano
Classification: Uncertain significance. Last evaluated: 2025-06-19. Review status: criteria provided, single submitter. Criteria: Quest Diagnostics criteria. Collection method: clinical testing. Allele origin: unknown.
Comment: The AXIN2 c.2438C>T (p.Ala813Val) variant has not been reported in individuals with AXIN2-related conditions in the published literature. It also has not been reported in large, multi-ethnic general populations (Genome Aggregation Database). Analysis of this variant using bioinformatics tools for the prediction of the effect of amino acid changes on protein structure and function yielded conflicting predictions that this variant is benign or damaging. Based on the available information, we are unable to determine the clinical significance of this variant.

Ambry Genetics
Classification: Uncertain significance for Hereditary cancer-predisposing syndrome. Last evaluated: 2023-12-08. Review status: criteria provided, single submitter. Criteria: Ambry Variant Classification Scheme 2023. Collection method: clinical testing. Allele origin: germline.
Comment: The p.A813V variant (also known as c.2438C>T), located in coding exon 10 of the AXIN2 gene, results from a C to T substitution at nucleotide position 2438. The alanine at codon 813 is replaced by valine, an amino acid with similar properties. This amino acid position is conserved. In addition, this alteration is predicted to be tolerated by in silico analysis. Since supporting evidence is limited at this time, the clinical significance of this alteration remains unclear.